The following is an entry in ClinVar:

NM_001486.4(GCKR):c.870A>C (p.Arg290Ser)

Gene: GCKR (glucokinase regulator; plus strand). Cytogenetic location: 2p23.3.
Variant type: single nucleotide variant.
Coding change: c.870A>C on transcript NM_001486.4 (MANE Select); coding-DNA position 870, A replaced by C.
Protein change: p.Arg290Ser; replaces arginine 290 with serine.
Molecular consequence: missense variant.
Genome position (GRCh38, 1-based): chr2:27,506,481, A>C. VCF-style: chr2-27506481-A-C. GRCh37 (hg19) VCF-style: chr2-27729348-A-C.
Other names: short protein forms R290S.
Identifiers: ClinVar variation 3615828 (VCV003615828.2).

ClinVar aggregate classification (germline): Uncertain significance (1 of 4 stars; one submission).

Submission:

Labcorp Genetics (formerly Invitae), Labcorp
Classification: Uncertain significance. Last evaluated: 2025-01-21. Review status: criteria provided, single submitter. Criteria: Invitae Variant Classification Sherloc (09022015). Collection method: clinical testing. Allele origin: germline.
Comment: This sequence change replaces arginine, which is basic and polar, with serine, which is neutral and polar, at codon 290 of the GCKR protein (p.Arg290Ser). This variant is present in population databases (no rsID available, gnomAD 0.0009%). This variant has not been reported in the literature in individuals affected with GCKR-related conditions. An algorithm developed to predict the effect of missense changes on protein structure and function outputs the following: PolyPhen-2: "Benign". The serine amino acid residue is found in multiple mammalian species, which suggests that this missense change does not adversely affect protein function. In summary, the available evidence is currently insufficient to determine the role of this variant in disease. Therefore, it has been classified as a Variant of Uncertain Significance.